The following is an entry in ClinVar:

ClinVar aggregate classification (germline): Conflicting classifications of pathogenicity. Review status: criteria provided, conflicting classifications (1 of 4 stars). 2 submissions from 2 submitters: Likely pathogenic (1); Uncertain significance (1). Last evaluated 2022-06-14.

Conditions:
ALPK3-related disorder. Also called: ALPK3-related condition.

Submissions (2):

Labcorp Genetics (formerly Invitae), Labcorp
Classification: Uncertain significance. Last evaluated: 2022-06-14. Review status: criteria provided, single submitter. Criteria: Invitae Variant Classification Sherloc (09022015). Collection method: clinical testing. Allele origin: germline.
Comment: In summary, the available evidence is currently insufficient to determine the role of this variant in disease. Therefore, it has been classified as a Variant of Uncertain Significance. Experimental studies and prediction algorithms are not available or were not evaluated, and the functional significance of this variant is currently unknown. This variant has not been reported in the literature in individuals affected with ALPK3-related conditions. This variant is not present in population databases (gnomAD no frequency). This sequence change creates a premature translational stop signal (p.Gly101Argfs*50) in the ALPK3 gene. It is unclear whether it will result in an absent or disrupted protein product because an in-frame methionine located at codon 203 has the potential to rescue this truncating variant.

Blueprint Genetics
Classification: Likely pathogenic for ALPK3-related disorders. Last evaluated: 2017-06-12. Review status: criteria provided, single submitter. Criteria: ACMG Guidelines, 2015. Collection method: clinical testing. Allele origin: germline. Affected: yes. Observed: 1 variant allele.

NC_000015.10:g.84817147_84817156del

Gene: ALPK3 (alpha kinase 3; plus strand). Cytogenetic location: 15q25.3.
Variant type: Deletion.
Genome position: GRCh38 VCF-style: chr15-84817144-CCCGGGCCTCT-C. GRCh37 (hg19) VCF-style: chr15-85360375-CCCGGGCCTCT-C.
Identifiers: ClinVar variation 1521937 (VCV001521937.7), dbSNP rs1963367421, ClinGen allele CA2192397271.